The following is an entry in ClinVar:

ClinVar aggregate classification (germline): Likely pathogenic (1 of 4 stars; one submission).

Conditions:
Hypohidrotic X-linked ectodermal dysplasia (XHED). Also called: ECTODERMAL DYSPLASIA, HYPOHIDROTIC, 1; CST SYNDROME; ECTODERMAL DYSPLASIA 1; Ectodermal Dysplasia 1, Anhidrotic; Anhidrotic ectodermal dysplasia X-linked; Christ Siemens Touraine syndrome. Identifiers: Orphanet 181, Orphanet 238468, MedGen C0162359, MONDO:0010585, OMIM 305100.

Submission:

Laboratory for Molecular Medicine, Mass General Brigham Personalized Medicine
Classification: Likely pathogenic for Hypohidrotic X-linked ectodermal dysplasia. Last evaluated: 2015-12-17. Review status: criteria provided, single submitter. Criteria: LMM Criteria. Collection method: clinical testing. Allele origin: germline. Inheritance: X-linked inheritance. Observed: 6 variant alleles.
Comment: It has also been identified in 3 females, two of whom had features of HED (Al Marzouqi 2014, LMM data). The exact location, size and breakpoints of the duplication cannot be determined due to limitations of th e method. Larger duplications spanning this region have been reported in 3 femal es without any reported clinical features (Kidd 2008; DGV nsv6948; Shaikh 2009 p ers. com.; DGV nsv520990); however, this may be due to skewed X-inactivation whi ch may lead to milder or absent clinical features in females. In summary, althou gh additional studies are required to fully establish its clinical significance, the duplication of exon 2 variant is likely pathogenic.

Literature cited by the submitters: PubMed 19592680; PubMed 18451855; PubMed 24689965.

NM_001399.4(EDA):c.(?_397)-340_(496_?)dup

Gene: EDA (ectodysplasin A; plus strand). Cytogenetic location: Xq13.1.
Variant type: Duplication.
Identifiers: ClinVar variation 180051 (VCV000180051.4).